The following is an entry in ClinVar:

NM_001164405.1(BHLHA9):c.-56867_66089del

Genes: ABR (ABR activator of RhoGEF and GTPase; minus strand), BHLHA9 (basic helix-loop-helix family member a9; plus strand), TRARG1 (trafficking regulator of GLUT4 (SLC2A4) 1 (gene/pseudogene); plus strand), LOC130059873 (ATAC-STARR-seq lymphoblastoid active region 11447; plus strand), LOC130059874 (ATAC-STARR-seq lymphoblastoid silent region 7948; plus strand) and 2 more. Cytogenetic location: 17p13.3.
Variant type: Deletion.
Coding change: c.-56867_66089del on transcript NM_001164405.1; 56867 bases upstream of the start codon through coding-DNA position 66089, this stretch deleted.
Identifiers: ClinVar variation 157373 (VCV000157373.2).

ClinVar aggregate classification (germline): not provided (0 of 4 stars; one submission).

Conditions:
Preeclampsia. Identifiers: Orphanet 275555, MedGen C0032914, MONDO:0005081, HP:0100602.

Submission:

Institute of Molecular and Cell Biology, University of Tartu
No classification provided. Condition: Preeclampsia. Review status: no classification provided. Collection method: case-control. Allele origin: unknown. Affected: yes. Study: Kasak2014.
Comment: The study aimed to determine the contribution of copy number variants in the genetic etiology of normal and complicated pregnancies. The samples represented (i) maternal blood DNA drawn from healthy pregnant women during 1st or 2nd trimester and (ii) maternal and paternal blood DNA drawn at term pregnancy cases representing normal and complicated gestations (severe preeclampsia, PE; gestational diabetes, GD; small-for-gestational age newborn, SGA; large-for-gestational age newborn, LGA). We performed CNV calling based on genome-wide genotyping dataset (Illumina HumanOmniExpress-24-v1 BeadChip) by applying three algorithms, QuantiSNP, GADA (Genome Alteration Detection Algorithm) and CNstream in parallel. The acquired CNV calls were merged with HD-CNV (Hotspot Detector for Copy Number Variants) program and only the CNVs predicted by at least two programs, were considered in subsequent analysis.

Literature cited by the submitters: PubMed 25666259.